The following is an entry in ClinVar:

ClinVar aggregate classification (germline): Uncertain significance (1 of 4 stars; one submission).

Conditions:
Hereditary cancer-predisposing syndrome. Also called: Hereditary neoplastic syndrome; Hereditary Cancer Syndrome; Neoplastic Syndromes, Hereditary; Tumor predisposition. Identifiers: Orphanet 140162, MedGen C0027672, MeSH D009386, MONDO:0015356.

Allele frequency attached by ClinVar (database versions not stated): TOPMed below 0.00001.

Submission:

Ambry Genetics
Classification: Uncertain significance for Hereditary cancer-predisposing syndrome. Last evaluated: 2023-04-19. Review status: criteria provided, single submitter. Criteria: Ambry Variant Classification Scheme 2023. Collection method: clinical testing. Allele origin: germline.
Comment: The p.K299T variant (also known as c.896A>C), located in coding exon 8 of the EPCAM gene, results from an A to C substitution at nucleotide position 896. The lysine at codon 299 is replaced by threonine, an amino acid with similar properties. This amino acid position is conserved. In addition, the in silico prediction for this alteration is inconclusive. Since supporting evidence is limited at this time, the clinical significance of this alteration remains unclear.

NM_002354.3(EPCAM):c.896A>C (p.Lys299Thr)

Gene: EPCAM (epithelial cell adhesion molecule; plus strand). Cytogenetic location: 2p21.
Variant type: single nucleotide variant.
Coding change: c.896A>C on transcript NM_002354.3 (MANE Select); coding-DNA position 896, A replaced by C.
Protein change: p.Lys299Thr; replaces lysine 299 with threonine.
Molecular consequence: missense variant.
Genome position (GRCh38, 1-based): chr2:47,385,203, A>C. VCF-style: chr2-47385203-A-C. GRCh37 (hg19) VCF-style: chr2-47612342-A-C.
Other names: short protein forms K299T.
Identifiers: ClinVar variation 2566632 (VCV002566632.2), dbSNP rs1671712295, ClinGen allele CA346725361.
Genomic context (GRCh38, chr2:47,385,203, plus strand): 5'-ATAGTTGTCTTTCTTCCACTCAGGTTATTTCCAGAAAGAAGAGAATGGCAAAGTATGAGA[A>C]GGCTGAGGTAAATGGATTACTTACCTAAATAGAAAGGCCCTGTTGAATCTCTTACTCCTA-3'
Protein context (NP_002345.2, residues 289-309): SRKKRMAKYE[Lys299Thr]AEIKEMGEMH